The following is an entry in ClinVar:

NM_000077.5(CDKN2A):c.-5G>A

Genes: CDKN2A (cyclin dependent kinase inhibitor 2A; minus strand), LOC130001603 (ATAC-STARR-seq lymphoblastoid silent region 19811; plus strand). Cytogenetic location: 9p21.3.
Variant type: single nucleotide variant.
Coding change: c.-5G>A on transcript NM_000077.5; 5 bases upstream of the start codon, G replaced by A.
Molecular consequence: 5 prime UTR variant (on NM_001195132.2). On other transcripts: intron variant (2).
Genome position (GRCh38, 1-based): chr9:21,974,832, C>T on the plus strand (G>A on the coding strand, the complement: CDKN2A is on the minus strand). VCF-style: chr9-21974832-C-T. GRCh37 (hg19) VCF-style: chr9-21974831-C-T.
Other names: c.-5G>A (NM_000077.6, NM_001195132.2, NM_058197.5); c.-3-3624G>A (NM_001363763.2); c.194-3624G>A (NM_058195.4).
Identifiers: ClinVar variation 3230262 (VCV003230262.1), dbSNP rs2131114363, ClinGen allele CA645552642.
Genomic context (GRCh38, chr9:21,974,832, plus strand): 5'-GCCGTGGCCAGCCAGTCAGCCGAAGGCTCCATGCTGCTCCCCGCCGCCGGCTCCATGCTG[C>T]TCCCCGCCGCCCGCTGCCTGCTCTCCCCCTCTCCGCAGCCGCCGAGCGCACGCGGTCCGC-3'

ClinVar aggregate classification (germline): Uncertain significance (1 of 4 stars; one submission).

Conditions:
Hereditary cancer-predisposing syndrome. Also called: Tumor predisposition; Hereditary Cancer Syndrome; Hereditary neoplastic syndrome; Neoplastic Syndromes, Hereditary. Identifiers: Orphanet 140162, MedGen C0027672, MeSH D009386, MONDO:0015356.

gnomAD v4.1: 1 of 1,581,468 alleles (0.000063%); no homozygotes.

Submission:

Ambry Genetics
Classification: Uncertain significance for Hereditary cancer-predisposing syndrome. Last evaluated: 2024-02-14. Review status: criteria provided, single submitter. Criteria: Ambry Variant Classification Scheme 2023. Collection method: clinical testing. Allele origin: germline.
Comment: The c.-5G>A variant is located in the 5' untranslated region (5&rsquo; UTR) of the CDKN2A gene. This variant results from a G to A substitution 5 bases upstream from the first translated codon. This nucleotide position is highly conserved in available vertebrate species. Based on the available evidence, the clinical significance of this alteration remains unclear.